The following is an entry in ClinVar:

NM_001142800.2(EYS):c.4462_4469dup (p.Met1491fs)

Gene: EYS (EGF-like photoreceptor maintenance factor; minus strand). Cytogenetic location: 6q12.
Variant type: Duplication.
Coding change: c.4462_4469dup on transcript NM_001142800.2 (MANE Select); coding-DNA positions 4462 to 4469, 8 bases duplicated (AGCCCCTC; older notation c.4462_4469dupAGCCCCTC).
Protein change: p.Met1491fs; shifts the reading frame from methionine 1491.
Molecular consequence: frameshift variant.
Genome position (GRCh38, 1-based): chr6:64,591,398-64,591,405, GAGGGGCT duplicated on the plus strand (AGCCCCTC on the coding strand, the reverse complement: EYS is on the minus strand); duplicating any 8 consecutive bases within chr6:64,591,398-64,591,408 gives the same sequence; the c. name uses the placement nearest the transcript's 3' end. VCF-style (leftmost placement, unchanged base first): chr6-64591397-C-CGAGGGGCT. GRCh37 (hg19) VCF-style: chr6-65301290-C-CGAGGGGCT.
Other names: c.4462_4469dup, p.Met1491fs (NM_001292009.2); short protein forms M1491fs.
Identifiers: ClinVar variation 3905036 (VCV003905036.11).
Genomic context (GRCh38, chr6:64,591,397, plus strand): 5'-TGAGTTTAAGATGGTTACCTGTTTAGATATAATTACCTTAGCAGGAAAAATGGGAGACAT[C>CGAGGGGCT]GAGGGGCTGAGCAATCTCCAGTGCTCTCTTCTTGAAATTAAAGAATCAGCTGAATATTCT-3'

ClinVar aggregate classification (germline): Pathogenic. Review status: criteria provided, multiple submitters, no conflicts (2 of 4 stars). 2 submissions from 2 submitters: Pathogenic (2). Last evaluated 2026-06-15.

Conditions:
Retinitis pigmentosa 25 (RP25). Identifiers: Orphanet 791, MedGen C1864446, MONDO:0011272, OMIM 602772.

Submissions (2):

Myriad Genetics, Inc.
Classification: Pathogenic for Retinitis pigmentosa 25. Last evaluated: 2026-06-15. Review status: criteria provided, single submitter. Criteria: Myriad Autosomal Dominant, Autosomal Recessive and X-Linked Classification Criteria (2023). Collection method: clinical testing. Allele origin: unknown.
Comment: NM_001142800.1(EYS):c.4462_4469dup8(M1491Afs*12) is a frameshift variant classified as pathogenic in the context of retinitis pigmentosa, EYS-related. M1491Afs*12 has been observed in cases with relevant disease (PMID: 30543658, 38927562, 39202371). Relevant functional assessments of this variant are not available in the literature. M1491Afs*12 has not been observed in referenced population frequency databases. In summary, NM_001142800.1(EYS):c.4462_4469dup8(M1491Afs*12) is a frameshift variant in a gene where loss of function is a known mechanism of disease, is predicted to disrupt protein function, and has been observed more frequently in cases with the relevant disease than in healthy populations. Please note: this variant was assessed in the context of healthy population screening.

CeGaT Center for Human Genetics Tuebingen
Classification: Pathogenic. Last evaluated: 2025-04-01. Review status: criteria provided, single submitter. Criteria: CeGaT Center For Human Genetics Tuebingen Variant Classification Criteria Version 2. Collection method: clinical testing. Allele origin: germline. Affected: yes. Observed: 1 variant allele.
Comment: EYS: PVS1, PM2, PM3:Supporting

Literature cited by the submitters: PubMed 30543658 (cited by Myriad Genetics, Inc.); PubMed 38927562 (cited by Myriad Genetics, Inc.); PubMed 39202371 (cited by Myriad Genetics, Inc.).